The following is an entry in ClinVar:

ClinVar aggregate classification (germline): Uncertain significance (1 of 4 stars; one submission).

Conditions:
Neuronopathy, distal hereditary motor, type 7B. Also called: HMN VIIB; LOWER MOTOR NEURON DISEASE, DYNACTIN TYPE; Distal Hereditary Motor Neuronopathy Type 7B (dHMN7B); NEURONOPATHY, DISTAL HEREDITARY MOTOR, AUTOSOMAL DOMINANT 14; NEURONOPATHY, DISTAL HEREDITARY MOTOR, HARDING TYPE VIIB; NEUROPATHY, DISTAL HEREDITARY MOTOR, HARDING TYPE VIIB. Identifiers: Orphanet 139589, MedGen C1843315, MONDO:0011879, OMIM 607641.
Perry syndrome. Also called: PARKINSONISM WITH ALVEOLAR HYPOVENTILATION AND MENTAL DEPRESSION. Identifiers: Orphanet 178509, MedGen C1868594, MONDO:0008201, OMIM 168605.
Amyotrophic lateral sclerosis type 1 (ALS1). Also called: AMYOTROPHIC LATERAL SCLEROSIS 1, FAMILIAL. Identifiers: Orphanet 803, MedGen C1862939, MONDO:0007103, OMIM 105400.

Allele frequency attached by ClinVar (database versions not stated): TOPMed below 0.00001; gnomAD 0.00001; gnomAD exomes 0.00001; ExAC 0.00002.
gnomAD v4.1: 12 of 1,614,016 alleles (0.00074%); highest among the groups gnomAD compares: Non-Finnish European, 0.001%; no homozygotes.

Submission:

Labcorp Genetics (formerly Invitae), Labcorp
Classification: Uncertain significance for Amyotrophic lateral sclerosis type 1; Neuronopathy, distal hereditary motor, type 7B; Perry syndrome. Last evaluated: 2023-04-24. Review status: criteria provided, single submitter. Criteria: Invitae Variant Classification Sherloc (09022015). Collection method: clinical testing. Allele origin: germline.
Comment: ClinVar contains an entry for this variant (Variation ID: 1991697). This variant has not been reported in the literature in individuals affected with DCTN1-related conditions. This variant is present in population databases (rs202214010, gnomAD 0.002%). This sequence change replaces serine, which is neutral and polar, with glycine, which is neutral and non-polar, at codon 732 of the DCTN1 protein (p.Ser732Gly). Advanced modeling of protein sequence and biophysical properties (such as structural, functional, and spatial information, amino acid conservation, physicochemical variation, residue mobility, and thermodynamic stability) performed at Invitae indicates that this missense variant is not expected to disrupt DCTN1 protein function. In summary, the available evidence is currently insufficient to determine the role of this variant in disease. Therefore, it has been classified as a Variant of Uncertain Significance.

NM_004082.5(DCTN1):c.2194A>G (p.Ser732Gly)

Gene: DCTN1 (dynactin subunit 1; minus strand). Cytogenetic location: 2p13.1.
Variant type: single nucleotide variant.
Coding change: c.2194A>G on transcript NM_004082.5 (MANE Select); coding-DNA position 2194, A replaced by G.
Protein change: p.Ser732Gly; replaces serine 732 with glycine.
Molecular consequence: missense variant. On other transcripts: non-coding transcript variant (1).
Genome position (GRCh38, 1-based): chr2:74,367,411, T>C on the plus strand (A>G on the coding strand, the complement: DCTN1 is on the minus strand). VCF-style: chr2-74367411-T-C. GRCh37 (hg19) VCF-style: chr2-74594538-T-C.
Other names: c.2134A>G, p.Ser712Gly (NM_001135040.3); c.1792A>G, p.Ser598Gly (NM_001135041.3, NM_023019.4); c.2083A>G, p.Ser695Gly (NM_001190836.2); c.2173A>G, p.Ser725Gly (NM_001190837.2); c.2143A>G, p.Ser715Gly (NM_001378991.1); c.2125A>G, p.Ser709Gly (NM_001378992.1); short protein forms S598G, S709G, S695G, S712G, S732G, S715G, S725G.
Identifiers: ClinVar variation 1991697 (VCV001991697.4), dbSNP rs202214010, ClinGen allele CA1721921.